The following is an entry in ClinVar:

ClinVar aggregate classification (germline): Likely benign. Review status: criteria provided, single submitter (1 of 4 stars). 2 submissions from 2 submitters: Likely benign (1). 1 of the submissions does not count toward it. Last evaluated 2026-01-11.

Conditions:
ATP1A2-related disorder. Also called: ATP1A2-RELATED DISORDERS; ATP1A2-related condition.
Familial hemiplegic migraine. Identifiers: MedGen C0338484, MONDO:0000700.

Allele frequency attached by ClinVar (database versions not stated): gnomAD exomes below 0.00001 and 0.00001; gnomAD 0.00001; TOPMed 0.00001; ExAC 0.00002.
gnomAD v4.1: 11 of 1,609,276 alleles (0.00068%); highest among the groups gnomAD compares: Middle Eastern, 0.016%; no homozygotes.

Submissions (2):

Labcorp Genetics (formerly Invitae), Labcorp
Classification: Likely benign for Familial hemiplegic migraine. Last evaluated: 2026-01-11. Review status: criteria provided, single submitter. Criteria: Invitae Variant Classification Sherloc (09022015). Collection method: clinical testing. Allele origin: germline.

PreventionGenetics, part of Exact Sciences
Classification: Likely benign for ATP1A2-related condition. Last evaluated: 2020-01-06. Review status: no assertion criteria provided. Collection method: clinical testing. Allele origin: germline. Not counted in ClinVar's aggregate classification.
Comment: This variant is classified as likely benign based on ACMG/AMP sequence variant interpretation guidelines (Richards et al. 2015 PMID: 25741868, with internal and published modifications).

NM_000702.4(ATP1A2):c.1245G>A (p.Thr415=)

Gene: ATP1A2 (ATPase Na+/K+ transporting subunit alpha 2; plus strand). Cytogenetic location: 1q23.2.
Variant type: single nucleotide variant.
Coding change: c.1245G>A on transcript NM_000702.4 (MANE Select); coding-DNA position 1245, G replaced by A.
Protein change: p.Thr415=; no amino-acid change (threonine 415 retained).
Molecular consequence: synonymous variant.
Genome position (GRCh38, 1-based): chr1:160,129,008, G>A. VCF-style: chr1-160129008-G-A. GRCh37 (hg19) VCF-style: chr1-160098798-G-A.
Other names: c.1245G>A (NM_000702.3).
Identifiers: ClinVar variation 1110881 (VCV001110881.10), dbSNP rs756285165, ClinGen allele CA1194424.